The following is an entry in ClinVar:

ClinVar aggregate classification (germline): Likely pathogenic (1 of 4 stars; one submission).

Conditions:
21-Hydroxylase-Deficient Congenital Adrenal Hyperplasia. Also called: ADRENAL HYPERPLASIA III; ADRENAL HYPERPLASIA, CONGENITAL, DUE TO 21-HYDROXYLASE DEFICIENCY. Identifiers: MedGen C2936858, OMIM 201910.

Submission:

Hema, HEMA – Genetic and Molecular Diagnostic Laboratory
Classification: Likely pathogenic for 21-Hydroxylase-Deficient Congenital Adrenal Hyperplasia. Last evaluated: 2026-09-07. Review status: criteria provided, single submitter. Criteria: HEMA Variant Classification Assertion Criteria. Collection method: clinical testing. Allele origin: germline.
Comment: The c.904dup p.(Ser302PhefsTer12) variant is a duplication of a thymine nucleotide that results in a frameshift in CYP21A2. PVS1: Null variant (frameshift variant) in a gene for which loss of function is a known disease mechanism. The c.904dup p.(Ser302PhefsTer12) variant in the CYP21A2 gene is a frameshift variant that introduces a premature stop codon in exon 7/10, which is predicted to result in nonsense-mediated decay (NMD) of the transcript. PM2_Supporting: Absent in gnomAD.

NM_000500.9(CYP21A2):c.904dup (p.Ser302fs)

Genes: CYP21A2 (cytochrome P450 family 21 subfamily A member 2; plus strand), LOC106780800 (CYP21A2 recombination region; plus strand). Cytogenetic location: 6p21.33.
Variant type: Duplication.
Coding change: c.904dup on transcript NM_000500.9 (MANE Select); coding-DNA position 904, one base duplicated (T; older notation c.904dupT).
Protein change: p.Ser302fs; shifts the reading frame from serine 302.
Molecular consequence: frameshift variant.
Genome position (GRCh38, 1-based): chr6:32,040,170, T duplicated. VCF-style (leftmost placement, unchanged base first): chr6-32040169-C-CT. GRCh37 (hg19) VCF-style: chr6-32007946-C-CT.
Other names: c.814dup, p.Ser272fs (NM_001128590.4); c.499dup, p.Ser167fs (NM_001368143.2, NM_001368144.2); short protein forms S167fs, S272fs, S302fs.
Identifiers: ClinVar variation 5042621 (VCV005042621.1).